The following is an entry in ClinVar:

NM_000238.4(KCNH2):c.2847C>G (p.Ser949Arg)

Gene: KCNH2 (potassium voltage-gated channel subfamily H member 2; minus strand). Cytogenetic location: 7q36.1.
Variant type: single nucleotide variant.
Coding change: c.2847C>G on transcript NM_000238.4 (MANE Select); coding-DNA position 2847, C replaced by G.
Protein change: p.Ser949Arg; replaces serine 949 with arginine.
Molecular consequence: missense variant.
Genome position (GRCh38, 1-based): chr7:150,947,724, G>C on the plus strand (C>G on the coding strand, the complement: KCNH2 is on the minus strand). VCF-style: chr7-150947724-G-C. GRCh37 (hg19) VCF-style: chr7-150644812-G-C.
Other names: c.2559C>G, p.Ser853Arg (NM_001406753.1); c.1827C>G, p.Ser609Arg (NM_172057.3); short protein forms S609R, S853R, S949R.
Identifiers: ClinVar variation 3069369 (VCV003069369.4), dbSNP rs759492534, ClinGen allele CA035057.

ClinVar aggregate classification (germline): Uncertain significance. Review status: criteria provided, multiple submitters, no conflicts (2 of 4 stars). 3 submissions from 3 submitters: Uncertain significance (3). Last evaluated 2024-11-04.

Conditions:
Long QT syndrome (LQTS). Identifiers: MedGen C0023976, MeSH D008133, MONDO:0002442. Disease mechanism: loss of function. Inheritance: Various modes of inheritance.
Cardiac arrhythmia. Also called: Arrhythmia; Cardiac rhythm disease. Identifiers: MedGen C0003811, MONDO:0007263, HP:0011675.

Allele frequency attached by ClinVar (database versions not stated): gnomAD exomes below 0.00001.
gnomAD v4.1: 2 of 1,569,288 alleles (0.00013%); highest among the groups gnomAD compares: Non-Finnish European, 0.00017%; no homozygotes.

Submissions (3):

Labcorp Genetics (formerly Invitae), Labcorp
Classification: Uncertain significance for Long QT syndrome. Last evaluated: 2024-11-04. Review status: criteria provided, single submitter. Criteria: Invitae Variant Classification Sherloc (09022015). Collection method: clinical testing. Allele origin: germline.
Comment: This sequence change replaces serine, which is neutral and polar, with arginine, which is basic and polar, at codon 949 of the KCNH2 protein (p.Ser949Arg). This variant is present in population databases (rs759492534, gnomAD 0.001%). This variant has not been reported in the literature in individuals affected with KCNH2-related conditions. ClinVar contains an entry for this variant (Variation ID: 3069369). An algorithm developed to predict the effect of missense changes on protein structure and function (PolyPhen-2) suggests that this variant is likely to be tolerated. In summary, the available evidence is currently insufficient to determine the role of this variant in disease. Therefore, it has been classified as a Variant of Uncertain Significance.

Color Diagnostics, LLC DBA Color Health
Classification: Uncertain significance for Cardiac arrhythmia. Last evaluated: 2024-03-06. Review status: criteria provided, single submitter. Criteria: ACMG Guidelines, 2015. Collection method: clinical testing. Allele origin: germline.
Comment: This missense variant replaces serine with arginine at codon 949 of the KCNH2 protein. Computational prediction is inconclusive regarding the impact of this variant on protein structure and function (internally defined REVEL score threshold 0.5 < inconclusive < 0.7, PMID: 27666373). To our knowledge, functional studies have not been reported for this variant. This variant has not been reported in individuals affected with cardiovascular disorders in the literature. This variant has been identified in 1/172188 chromosomes in the general population by the Genome Aggregation Database (gnomAD). The available evidence is insufficient to determine the role of this variant in disease conclusively. Therefore, this variant is classified as a Variant of Uncertain Significance.

All of Us Research Program, National Institutes of Health
Classification: Uncertain significance for Long QT syndrome. Last evaluated: 2023-10-02. Review status: criteria provided, single submitter. Criteria: ACMG Guidelines, 2015. Collection method: clinical testing. Allele origin: germline. Inheritance: Autosomal dominant inheritance. Observed: 3 variant alleles, 3 heterozygotes.
Comment: This missense variant replaces serine with arginine at codon 949 of the KCNH2 protein. Computational prediction is inconclusive regarding the impact of this variant on protein structure and function (internally defined REVEL score threshold 0.5 < inconclusive < 0.7, PMID: 27666373). To our knowledge, functional studies have not been reported for this variant. This variant has not been reported in individuals affected with cardiovascular disorders in the literature. This variant has been identified in 1/172188 chromosomes in the general population by the Genome Aggregation Database (gnomAD). The available evidence is insufficient to determine the role of this variant in disease conclusively. Therefore, this variant is classified as a Variant of Uncertain Significance.

This study involves interpretation of variants in research participants for the purpose of population health screening. Participant phenotype was not available at the time of variant classification. Additional details can be found in publication PMID: 35346344, PMCID: PMC8962531